The following is an entry in ClinVar:

ClinVar aggregate classification (germline): Pathogenic (1 of 4 stars; one submission).

Conditions:
COG5-congenital disorder of glycosylation. Also called: COG5-CDG; CDG IIi; CONGENITAL DISORDER OF GLYCOSYLATION, TYPE IIi. Identifiers: Orphanet 263487, MedGen C3150876, MONDO:0013325, OMIM 613612.

Allele frequency attached by ClinVar (database versions not stated): gnomAD 0.00001; gnomAD exomes 0.00001; TOPMed 0.00002.

Submission:

Labcorp Genetics (formerly Invitae), Labcorp
Classification: Pathogenic for COG5-congenital disorder of glycosylation. Last evaluated: 2024-11-18. Review status: criteria provided, single submitter. Criteria: Invitae Variant Classification Sherloc (09022015). Collection method: clinical testing. Allele origin: germline.
Comment: This sequence change creates a premature translational stop signal (p.Gln264Argfs*9) in the COG5 gene. It is expected to result in an absent or disrupted protein product. Loss-of-function variants in COG5 are known to be pathogenic (PMID: 23228021). This variant is present in population databases (no rsID available, gnomAD 0.007%). This variant has not been reported in the literature in individuals affected with COG5-related conditions. ClinVar contains an entry for this variant (Variation ID: 1960598). For these reasons, this variant has been classified as Pathogenic.

Literature cited by the submitters: PubMed 23228021.

NM_006348.5(COG5):c.697del (p.Gln233fs)

Gene: COG5 (component of oligomeric golgi complex 5; minus strand). Cytogenetic location: 7q22.3.
Variant type: Deletion.
Coding change: c.697del on transcript NM_006348.5 (MANE Select); coding-DNA position 697, one base deleted (C; older notation c.697delC).
Protein change: p.Gln233fs; shifts the reading frame from glutamine 233.
Molecular consequence: frameshift variant. On other transcripts: intron variant (2).
Genome position (GRCh38, 1-based): chr7:107,372,733, G deleted on the plus strand (C on the coding strand, the reverse complement: COG5 is on the minus strand). VCF-style (leftmost placement, unchanged base first): chr7-107372732-TG-T. GRCh37 (hg19) VCF-style: chr7-107013177-TG-T.
Other names: c.697del, p.Gln233fs (NM_001161520.2, NM_001379511.1, NM_001379512.1 and 3 more transcripts); c.235-10623del (NM_001379516.1); c.539-74387del (NM_001379515.1); short protein forms Q233fs.
Identifiers: ClinVar variation 1960598 (VCV001960598.5), dbSNP rs1288339759, ClinGen allele CA577201350.
Genomic context (GRCh38, chr7:107,372,732, plus strand): 5'-CAATATCCATCCACAACACTGGTAATAGTATCCTTCAAAGTTCCAAGATTATAGAAAACC[TG>T]AAGAGCTGTTCCGACTTGAGTTGGATTCTTAAAAAAAGGTGGGGTGGGGTGGAAACAGAT-3'